The following is an entry in ClinVar:

ClinVar aggregate classification (germline): Uncertain significance. Review status: criteria provided, multiple submitters, no conflicts (2 of 4 stars). 3 submissions from 3 submitters: Uncertain significance (3). Last evaluated 2024-12-09.

Conditions:
Retinal dystrophy. Also called: Inherited retinal dystrophy. Identifiers: Orphanet 71862, MedGen C0854723, MeSH D058499, MONDO:0019118, HP:0000556.

Allele frequency attached by ClinVar (database versions not stated): gnomAD exomes 0.00001 and 0.00006; TOPMed 0.00002; gnomAD 0.00003; ExAC 0.00006; 1000 Genomes Project 30x 0.00016; 1000 Genomes Project 0.00020.
gnomAD v4.1: 25 of 1,613,394 alleles (0.0015%); highest among the groups gnomAD compares: East Asian, 0.053%; 1 homozygote.

Submissions (3):

Labcorp Genetics (formerly Invitae), Labcorp
Classification: Uncertain significance. Last evaluated: 2024-12-09. Review status: criteria provided, single submitter. Criteria: Invitae Variant Classification Sherloc (09022015). Collection method: clinical testing. Allele origin: germline.
Comment: This sequence change replaces alanine, which is neutral and non-polar, with valine, which is neutral and non-polar, at codon 113 of the DHX38 protein (p.Ala113Val). This variant is present in population databases (rs192983504, gnomAD 0.08%). This variant has not been reported in the literature in individuals affected with DHX38-related conditions. ClinVar contains an entry for this variant (Variation ID: 1399506). An algorithm developed to predict the effect of missense changes on protein structure and function (PolyPhen-2) suggests that this variant¬†is likely to be tolerated. In summary, the available evidence is currently insufficient to determine the role of this variant in disease. Therefore, it has been classified as a Variant of Uncertain Significance.

Dept Of Ophthalmology, Nagoya University
Classification: Uncertain significance for Retinal dystrophy. Last evaluated: 2023-10-01. Review status: criteria provided, single submitter. Criteria: Submitter's publication. Collection method: research. Allele origin: germline. Affected: yes.

Ambry Genetics
Classification: Uncertain significance. Last evaluated: 2023-03-01. Review status: criteria provided, single submitter. Criteria: Ambry Variant Classification Scheme 2023. Collection method: clinical testing. Allele origin: germline.

NM_014003.4(DHX38):c.338C>T (p.Ala113Val)

Gene: DHX38 (DEAH-box helicase 38; plus strand). Cytogenetic location: 16q22.2.
Variant type: single nucleotide variant.
Coding change: c.338C>T on transcript NM_014003.4 (MANE Select); coding-DNA position 338, C replaced by T.
Protein change: p.Ala113Val; replaces alanine 113 with valine.
Molecular consequence: missense variant.
Genome position (GRCh38, 1-based): chr16:72,096,836, C>T. VCF-style: chr16-72096836-C-T. GRCh37 (hg19) VCF-style: chr16-72130735-C-T.
Other names: c.338C>T (NM_014003.3); short protein forms A113V.
Identifiers: ClinVar variation 1399506 (VCV001399506.8), dbSNP rs192983504, ClinGen allele CA8159937.